The following is an entry in ClinVar:

ClinVar aggregate classification (germline): Uncertain significance (1 of 4 stars; one submission).

Submission:

GeneDx
Classification: Uncertain significance. Last evaluated: 2025-04-29. Review status: criteria provided, single submitter. Criteria: GeneDx Variant Classification Process June 2021. Collection method: clinical testing. Allele origin: germline. Affected: yes.
Comment: Not observed at significant frequency in large population cohorts (gnomAD); In silico analysis indicates that this missense variant does not alter protein structure/function; Has not been previously published as pathogenic or benign to our knowledge

NM_012330.4(KAT6B):c.6149C>G (p.Ala2050Gly)

Gene: KAT6B (lysine acetyltransferase 6B; plus strand). Cytogenetic location: 10q22.2.
Variant type: single nucleotide variant.
Coding change: c.6149C>G on transcript NM_012330.4 (MANE Select); coding-DNA position 6149, C replaced by G.
Protein change: p.Ala2050Gly; replaces alanine 2050 with glycine.
Molecular consequence: missense variant.
Genome position (GRCh38, 1-based): chr10:75,030,973, C>G. VCF-style: chr10-75030973-C-G. GRCh37 (hg19) VCF-style: chr10-76790731-C-G.
Other names: c.5600C>G, p.Ala1867Gly (NM_001256468.2, NM_001370138.1); c.5273C>G, p.Ala1758Gly (NM_001256469.2, NM_001370139.1, NM_001370140.1 and 2 more transcripts); c.5111C>G, p.Ala1704Gly (NM_001370132.1); c.4460C>G, p.Ala1487Gly (NM_001370133.1); c.4064C>G, p.Ala1355Gly (NM_001370134.1); c.3806C>G, p.Ala1269Gly (NM_001370135.1); c.6149C>G, p.Ala2050Gly (NM_001370136.1, NM_001370137.1); c.5084C>G, p.Ala1695Gly (NM_001370143.1, NM_001370144.1); short protein forms A1269G, A1355G, A1487G, A1695G, A1704G, A1758G, A1867G, A2050G.
Identifiers: ClinVar variation 4527783 (VCV004527783.1).